The following is an entry in ClinVar:

ClinVar aggregate classification (germline): Uncertain significance (1 of 4 stars; one submission).

Conditions:
Sulfite oxidase deficiency due to molybdenum cofactor deficiency type C. Also called: Molybdenum cofactor deficiency, complementation group C; Molybdenum cofactor deficiency C. Identifiers: Orphanet 308400, Orphanet 833, MedGen C1854990, MONDO:0014212, OMIM 615501.

Submission:

Labcorp Genetics (formerly Invitae), Labcorp
Classification: Uncertain significance for Sulfite oxidase deficiency due to molybdenum cofactor deficiency type C. Last evaluated: 2019-07-01. Review status: criteria provided, single submitter. Criteria: Invitae Variant Classification Sherloc (09022015). Collection method: clinical testing. Allele origin: germline.
Comment: This sequence change replaces serine with threonine at codon 23 of the GPHN protein (p.Ser23Thr). The serine residue is moderately conserved and there is a small physicochemical difference between serine and threonine. This variant is not present in population databases (ExAC no frequency). This variant has not been reported in the literature in individuals with GPHN-related conditions. Algorithms developed to predict the effect of missense changes on protein structure and function are either unavailable or do not agree on the potential impact of this missense change (SIFT: "Deleterious"; PolyPhen-2: "Probably Damaging"; Align-GVGD: "Class C0"). In summary, the available evidence is currently insufficient to determine the role of this variant in disease. Therefore, it has been classified as a Variant of Uncertain Significance.

NM_020806.5(GPHN):c.68G>C (p.Ser23Thr)

Gene: GPHN (gephyrin; plus strand). Cytogenetic location: 14q23.3.
Variant type: single nucleotide variant.
Coding change: c.68G>C on transcript NM_020806.5 (MANE Select); coding-DNA position 68, G replaced by C.
Protein change: p.Ser23Thr; replaces serine 23 with threonine.
Molecular consequence: missense variant.
Genome position (GRCh38, 1-based): chr14:66,681,110, G>C. VCF-style: chr14-66681110-G-C. GRCh37 (hg19) VCF-style: chr14-67147828-G-C.
Other names: c.68G>C, p.Ser23Thr (NM_001024218.2, NM_001377514.1, NM_001377515.1 and 4 more transcripts); short protein forms S23T.
Identifiers: ClinVar variation 951911 (VCV000951911.9), dbSNP rs1490435764, ClinGen allele CA390255366.